The following is an entry in ClinVar:

ClinVar aggregate classification (germline): Uncertain significance (1 of 4 stars; one submission).

Conditions:
Charcot-Marie-Tooth disease recessive intermediate C. Also called: CHARCOT-MARIE-TOOTH NEUROPATHY, RECESSIVE INTERMEDIATE C. Identifiers: Orphanet 369867, MedGen C3809309, MONDO:0014154, OMIM 615376.
Neuronopathy, distal hereditary motor, autosomal recessive 4. Also called: NEUROPATHY, DISTAL HEREDITARY MOTOR, AUTOSOMAL RECESSIVE 4; Autosomal recessive lower motor neuron disease with childhood onset. Identifiers: Orphanet 206580, MedGen C1970211, MONDO:0012608, OMIM 611067.

Allele frequency attached by ClinVar (database versions not stated): gnomAD exomes below 0.00001.
gnomAD v4.1: 2 of 1,613,612 alleles (0.00012%); highest among the groups gnomAD compares: Non-Finnish European, 0.000085%; no homozygotes.

Submission:

Labcorp Genetics (formerly Invitae), Labcorp
Classification: Uncertain significance for Neuronopathy, distal hereditary motor, autosomal recessive 4; Charcot-Marie-Tooth disease recessive intermediate C. Last evaluated: 2021-01-15. Review status: criteria provided, single submitter. Criteria: Invitae Variant Classification Sherloc (09022015). Collection method: clinical testing. Allele origin: germline.
Comment: This sequence change replaces tyrosine with histidine at codon 351 of the PLEKHG5 protein (p.Tyr351His). The tyrosine residue is highly conserved and there is a moderate physicochemical difference between tyrosine and histidine. This variant is not present in population databases (ExAC no frequency). This variant has not been reported in the literature in individuals with PLEKHG5-related conditions. Algorithms developed to predict the effect of missense changes on protein structure and function are either unavailable or do not agree on the potential impact of this missense change (SIFT: "Deleterious"; PolyPhen-2: "Probably Damaging"; Align-GVGD: "Class C0"). In summary, the available evidence is currently insufficient to determine the role of this variant in disease. Therefore, it has been classified as a Variant of Uncertain Significance.

NM_020631.6(PLEKHG5):c.1051T>C (p.Tyr351His)

Gene: PLEKHG5 (pleckstrin homology and RhoGEF domain containing G5; minus strand). Cytogenetic location: 1p36.31.
Variant type: single nucleotide variant.
Coding change: c.1051T>C on transcript NM_020631.6 (MANE Select); coding-DNA position 1051, T replaced by C.
Protein change: p.Tyr351His; replaces tyrosine 351 with histidine.
Molecular consequence: missense variant.
Genome position (GRCh38, 1-based): chr1:6,472,556, A>G on the plus strand (T>C on the coding strand, the complement: PLEKHG5 is on the minus strand). VCF-style: chr1-6472556-A-G. GRCh37 (hg19) VCF-style: chr1-6532616-A-G.
Other names: c.1051T>C, p.Tyr351His (NM_001265594.3, NM_198681.4, NM_001042664.2 and 1 more transcripts); c.1162T>C, p.Tyr388His (NM_001042663.3, NM_001265592.2); c.1258T>C, p.Tyr420His (NM_001265593.2); short protein forms Y388H, Y420H, Y351H.
Identifiers: ClinVar variation 1505345 (VCV001505345.8), dbSNP rs1569865241, ClinGen allele CA338132621.